The following is an entry in ClinVar:

ClinVar aggregate classification (germline): Conflicting classifications of pathogenicity. Review status: criteria provided, conflicting classifications (1 of 4 stars). 5 submissions from 5 submitters: Uncertain significance (4); Likely benign (1). Last evaluated 2025-05-16.

Conditions:
Hereditary cancer-predisposing syndrome. Also called: Hereditary neoplastic syndrome; Hereditary Cancer Syndrome; Tumor predisposition; Neoplastic Syndromes, Hereditary. Identifiers: Orphanet 140162, MedGen C0027672, MeSH D009386, MONDO:0015356.
Hereditary breast ovarian cancer syndrome. Also called: Breast and ovarian cancer; Hereditary breast and ovarian cancer; BRCA1- and BRCA2-Associated Hereditary Breast and Ovarian Cancer; Hereditary breast and/or ovarian cancer syndrome; Hereditary breast and ovarian cancer syndrome; Hereditary breast and ovarian cancer syndrome (HBOC). Identifiers: Orphanet 145, MedGen C0677776, MeSH D061325, MONDO:0003582. Disease mechanism: loss of function.

Allele frequency attached by ClinVar (database versions not stated): gnomAD exomes below 0.00001; gnomAD 0.00001.
gnomAD v4.1: 3 of 1,613,954 alleles (0.00019%); highest among the groups gnomAD compares: Non-Finnish European, 0.00025%; no homozygotes.

Submissions (5):

Ambry Genetics
Classification: Likely benign for Hereditary cancer-predisposing syndrome. Last evaluated: 2025-05-16. Review status: criteria provided, single submitter. Criteria: Ambry Variant Classification Scheme 2023. Collection method: clinical testing. Allele origin: germline.

Women's Health and Genetics/Laboratory Corporation of America, LabCorp
Classification: Uncertain significance. Last evaluated: 2024-10-24. Review status: criteria provided, single submitter. Criteria: LabCorp Variant Classification Summary - May 2015. Collection method: clinical testing. Allele origin: germline.
Comment: Variant summary: BRCA2 c.9354G>A (p.Met3118Ile) results in a conservative amino acid change located in the BRCA2, OB3 domain (IPR015188) of the encoded protein sequence. Five of five in-silico tools predict a benign effect of the variant on protein function. The variant was absent in 251326 control chromosomes. The available data on variant occurrences in the general population are insufficient to allow any conclusion about variant significance. To our knowledge, no occurrence of c.9354G>A in individuals affected with Hereditary Breast And Ovarian Cancer Syndrome and no experimental evidence demonstrating its impact on protein function have been reported. ClinVar contains an entry for this variant (Variation ID: 439018). Based on the evidence outlined above, the variant was classified as uncertain significance.

Labcorp Genetics (formerly Invitae), Labcorp
Classification: Uncertain significance for Hereditary breast ovarian cancer syndrome. Last evaluated: 2024-06-30. Review status: criteria provided, single submitter. Criteria: Invitae Variant Classification Sherloc (09022015). Collection method: clinical testing. Allele origin: germline.
Comment: This sequence change replaces methionine, which is neutral and non-polar, with isoleucine, which is neutral and non-polar, at codon 3118 of the BRCA2 protein (p.Met3118Ile). This variant is not present in population databases (gnomAD no frequency). This variant has not been reported in the literature in individuals affected with BRCA2-related conditions. ClinVar contains an entry for this variant (Variation ID: 439018). Advanced modeling of protein sequence and biophysical properties (such as structural, functional, and spatial information, amino acid conservation, physicochemical variation, residue mobility, and thermodynamic stability) performed at Invitae indicates that this missense variant is not expected to disrupt BRCA2 protein function with a negative predictive value of 95%. In summary, the available evidence is currently insufficient to determine the role of this variant in disease. Therefore, it has been classified as a Variant of Uncertain Significance.

GeneDx
Classification: Uncertain significance. Last evaluated: 2023-07-12. Review status: criteria provided, single submitter. Criteria: GeneDx Variant Classification Process June 2021. Collection method: clinical testing. Allele origin: germline. Affected: yes.
Comment: Not observed at significant frequency in large population cohorts (gnomAD); In silico analysis supports that this missense variant does not alter protein structure/function; Has not been previously published as pathogenic or benign to our knowledge; Also known as 9582G>A; This variant is associated with the following publications: (PMID: 31131967, 12228710)

Quest Diagnostics Nichols Institute San Juan Capistrano
Classification: Uncertain significance. Last evaluated: 2023-03-17. Review status: criteria provided, single submitter. Criteria: Quest Diagnostics criteria. Collection method: clinical testing. Allele origin: unknown.
Comment: The frequency of this variant in the general population, 0.0000066 (1/152152 chromosomes), is uninformative in assessment of its pathogenicity. In the published literature, the variant has been reported in a large breast cancer association study in individuals affected with breast cancer (PMID: 33471991 (2021)). Analysis of this variant using bioinformatics tools for the prediction of the effect of amino acid changes on protein structure and function yielded predictions that this variant is benign. Based on the available information, we are unable to determine the clinical significance of this variant.

Literature cited by the submitters: PubMed 33471991 (cited by Quest Diagnostics Nichols Institute San Juan Capistrano).

NM_000059.4(BRCA2):c.9354G>A (p.Met3118Ile)

Gene: BRCA2 (BRCA2 DNA repair associated; plus strand). Cytogenetic location: 13q13.1.
Variant type: single nucleotide variant.
Coding change: c.9354G>A on transcript NM_000059.4 (MANE Select); coding-DNA position 9354, G replaced by A.
Protein change: p.Met3118Ile; replaces methionine 3118 with isoleucine.
Molecular consequence: missense variant.
Genome position (GRCh38, 1-based): chr13:32,394,786, G>A. VCF-style: chr13-32394786-G-A. GRCh37 (hg19) VCF-style: chr13-32968923-G-A.
Other names: short protein forms M3118I.
Identifiers: ClinVar variation 439018 (VCV000439018.14), dbSNP rs1555289559, ClinGen allele CA387761125.